The following is an entry in ClinVar:

ClinVar aggregate classification (germline): Likely benign (1 of 4 stars; one submission).

Conditions:
Autoimmune lymphoproliferative syndrome type 2B. Also called: AUTOIMMUNE LYMPHOPROLIFERATIVE SYNDROME, TYPE IIB. Identifiers: Orphanet 275517, MedGen C1846545, MONDO:0011804, OMIM 607271.

Allele frequency attached by ClinVar (database versions not stated): 1000 Genomes Project 0.00040; 1000 Genomes Project 30x 0.00047; gnomAD 0.00105 and 0.00106; TOPMed 0.00127.

Submission:

Illumina Laboratory Services, Illumina
Classification: Likely benign for Autoimmune lymphoproliferative syndrome type 2B. Last evaluated: 2018-01-13. Review status: criteria provided, single submitter. Criteria: ICSL Variant Classification Criteria 13 December 2019. Collection method: clinical testing. Allele origin: germline.
Comment: This variant was observed in the ICSL laboratory as part of a predisposition screen in an ostensibly healthy population. It had not been previously curated by ICSL or reported in the Human Gene Mutation Database (HGMD: prior to June 1st, 2018), and was therefore a candidate for classification through an automated scoring system. Utilizing variant allele frequency, disease prevalence and penetrance estimates, and inheritance mode, an automated score was calculated to assess if this variant is too frequent to cause the disease. Based on the score and internal cut-off values, a variant classified as likely benign is not then subjected to further curation. The score for this variant resulted in a classification of likely benign for this disease.

NM_001372051.1(CASP8):c.*755G>A

Gene: CASP8 (caspase 8; plus strand). Cytogenetic location: 2q33.1.
Variant type: single nucleotide variant.
Coding change: c.*755G>A on transcript NM_001372051.1 (MANE Select); 755 bases downstream of the stop codon, G replaced by A.
Molecular consequence: 3 prime UTR variant. On other transcripts: non-coding transcript variant (22).
Genome position (GRCh38, 1-based): chr2:201,287,349, G>A. VCF-style: chr2-201287349-G-A. GRCh37 (hg19) VCF-style: chr2-202152072-G-A.
Other names: c.*755G>A (NM_001080124.2, NM_001080125.2, NM_001228.5 and 35 more transcripts).
Identifiers: ClinVar variation 333523 (VCV000333523.5), dbSNP rs145519245, ClinGen allele CA10613811.
Genomic context (GRCh38, chr2:201,287,349, plus strand): 5'-TTGGGAGGTTGAGGTGGGAGGATTGCTTGAACCCAAGAGGTCAAGGCTGCAGTGAGCCAT[G>A]TTCACACCGCTGCACTCAAGCTTGGGTGACAGAACAAGACCCCGTCTCAAAAAAAATTTT-3'